The following is an entry in ClinVar:

ClinVar aggregate classification (germline): Conflicting classifications of pathogenicity. Review status: criteria provided, conflicting classifications (1 of 4 stars). 2 submissions from 2 submitters: Likely pathogenic (1); Uncertain significance (1). Last evaluated 2024-03-29.

Conditions:
Dilated cardiomyopathy 1AA (CMD1AA). Also called: CARDIOMYOPATHY, DILATED, 1AA, WITH OR WITHOUT LEFT VENTRICULAR NONCOMPACTION; CARDIOMYOPATHY, FAMILIAL HYPERTROPHIC, 23, WITH OR WITHOUT LEFT VENTRICULAR NONCOMPACTION; Cardiomyopathy, dilated, 1AA, with or without LVNC. Identifiers: Orphanet 154, MedGen C2677338, MONDO:0012808, OMIM 612158.

Submissions (2):

Genomic Medicine Center of Excellence, King Faisal Specialist Hospital and Research Centre
Classification: Likely pathogenic for Dilated cardiomyopathy 1AA. Last evaluated: 2024-03-29. Review status: criteria provided, single submitter. Criteria: ACMG Guidelines, 2015. Collection method: clinical testing. Allele origin: germline.

Mayo Clinic Laboratories, Mayo Clinic
Classification: Uncertain significance. Last evaluated: 2023-02-22. Review status: criteria provided, single submitter. Criteria: ACMG Guidelines, 2015. Collection method: clinical testing. Allele origin: germline. Observed: 1 variant allele.
Comment: PM2_supporting, PVS1_strong

NM_001103.4(ACTN2):c.877-2A>G

Gene: ACTN2 (actinin alpha 2; plus strand). Cytogenetic location: 1q43.
Variant type: single nucleotide variant.
Coding change: c.877-2A>G on transcript NM_001103.4 (MANE Select); the canonical splice acceptor site of the intron before coding-DNA position 877, A replaced by G.
Molecular consequence: splice acceptor variant.
Genome position (GRCh38, 1-based): chr1:236,739,300, A>G. VCF-style: chr1-236739300-A-G. GRCh37 (hg19) VCF-style: chr1-236902600-A-G.
Other names: c.877-2A>G (NM_001278343.2).
Identifiers: ClinVar variation 2682728 (VCV002682728.2), dbSNP rs2527599063, ClinGen allele CA345379795.